The following is an entry in ClinVar:

ClinVar aggregate classification (germline): Conflicting classifications of pathogenicity. Review status: criteria provided, conflicting classifications (1 of 4 stars). 2 submissions from 2 submitters: Uncertain significance (1); Likely benign (1). Last evaluated 2025-10-20.

Conditions:
Hereditary cancer-predisposing syndrome. Also called: Hereditary neoplastic syndrome; Hereditary Cancer Syndrome; Neoplastic Syndromes, Hereditary; Tumor predisposition. Identifiers: Orphanet 140162, MedGen C0027672, MeSH D009386, MONDO:0015356.
Neuroblastoma, susceptibility to, 3. Also called: ALK-Related Neuroblastic Tumor Susceptibility. Identifiers: Orphanet 635, MedGen C2751681, MONDO:0013083, OMIM 613014.

Allele frequency attached by ClinVar (database versions not stated): ExAC 0.00001; gnomAD exomes 0.00001.

Submissions (2):

Labcorp Genetics (formerly Invitae), Labcorp
Classification: Uncertain significance for Neuroblastoma, susceptibility to, 3. Last evaluated: 2025-10-20. Review status: criteria provided, single submitter. Criteria: Invitae Variant Classification Sherloc (09022015). Collection method: clinical testing. Allele origin: germline.
Comment: This sequence change replaces methionine, which is neutral and non-polar, with isoleucine, which is neutral and non-polar, at codon 1138 of the ALK protein (p.Met1138Ile). This variant is present in population databases (rs773241951, gnomAD 0.004%). This variant has not been reported in the literature in individuals affected with ALK-related conditions. ClinVar contains an entry for this variant (Variation ID: 2734400). An algorithm developed to predict the effect of missense changes on protein structure and function outputs the following: PolyPhen-2: "Benign". The isoleucine amino acid residue is found in multiple mammalian species, which suggests that this missense change does not adversely affect protein function. In summary, the available evidence is currently insufficient to determine the role of this variant in disease. Therefore, it has been classified as a Variant of Uncertain Significance.

Ambry Genetics
Classification: Likely benign for Hereditary cancer-predisposing syndrome. Last evaluated: 2024-10-04. Review status: criteria provided, single submitter. Criteria: Ambry Variant Classification Scheme 2023. Collection method: clinical testing. Allele origin: germline.

NM_004304.5(ALK):c.3414G>A (p.Met1138Ile)

Gene: ALK (ALK receptor tyrosine kinase; minus strand). Cytogenetic location: 2p23.2.
Variant type: single nucleotide variant.
Coding change: c.3414G>A on transcript NM_004304.5 (MANE Select); coding-DNA position 3414, G replaced by A.
Protein change: p.Met1138Ile; replaces methionine 1138 with isoleucine.
Molecular consequence: missense variant.
Genome position (GRCh38, 1-based): chr2:29,222,553, C>T on the plus strand (G>A on the coding strand, the complement: ALK is on the minus strand). VCF-style: chr2-29222553-C-T. GRCh37 (hg19) VCF-style: chr2-29445419-C-T.
Other names: c.210G>A, p.Met70Ile (NM_001353765.2); c.3414G>A (NM_004304.4); short protein forms M70I, M1138I.
Identifiers: ClinVar variation 2734400 (VCV002734400.4), dbSNP rs773241951, ClinGen allele CA1593961.